The following is an entry in ClinVar:

ClinVar aggregate classification (germline): Likely pathogenic (1 of 4 stars; one submission).

Conditions:
CFTR-related disorder (CFTR-RD). Also called: CFTR-related disorders; CFTR-related condition. Identifiers: MedGen C5924204, MONDO:7770004.

Submission:

Natera, Inc.
Classification: Likely pathogenic for CFTR-related disorders. Last evaluated: 2024-07-22. Review status: criteria provided, single submitter. Criteria: Natera Variant Classification Schema (03/2026). Collection method: clinical testing. Allele origin: germline.
Comment: The c.1865del variant in CFTR is a frameshift variant predicted to shift the reading frame beginning at codon 622 and leads to a stop codon 41 codons downstream. This variant is expected to result in nonsense mediated decay, truncation, or a dysfunctional protein product. This variant is rare in the general population with a frequency below the threshold expected for the associated phenotype(s). Given the available evidence, this variant is classified as Likely Pathogenic.

NM_000492.4(CFTR):c.1865del (p.Gly622fs)

Gene: CFTR (CF transmembrane conductance regulator; plus strand). Cytogenetic location: 7q31.2.
Variant type: Deletion.
Coding change: c.1865del on transcript NM_000492.4 (MANE Select); coding-DNA position 1865, one base deleted (G; older notation c.1865delG).
Protein change: p.Gly622fs; shifts the reading frame from glycine 622.
Molecular consequence: frameshift variant.
Genome position (GRCh38, 1-based): chr7:117,592,032, G deleted; the last of 2 consecutive G bases (chr7:117,592,031-117,592,032); deleting either gives the same sequence. VCF-style (leftmost placement, unchanged base first): chr7-117592030-AG-A. GRCh37 (hg19) VCF-style: chr7-117232084-AG-A.
Other names: c.1865delG, p.Gly622Valfs (NM_000492.3); short protein forms G622fs.
Identifiers: ClinVar variation 4818486 (VCV004818486.1).